The following is an entry in ClinVar:

ClinVar aggregate classification (germline): Likely benign. Review status: criteria provided, single submitter (1 of 4 stars). 2 submissions from 2 submitters: Likely benign (1). 1 of the submissions does not count toward it. Last evaluated 2025-02-12.

Conditions:
TELO2-related disorder. Also called: TELO2-related condition.

Allele frequency attached by ClinVar (database versions not stated): gnomAD exomes 0.00020 and 0.00056; ExAC 0.00021; TOPMed 0.00030; gnomAD 0.00032 and 0.00034; ESP Exome Variant Server 0.00046.
gnomAD v4.1: 868 of 1,604,902 alleles (0.054%); highest among the groups gnomAD compares: Non-Finnish European, 0.07%; 2 homozygotes.

Submissions (2):

Labcorp Genetics (formerly Invitae), Labcorp
Classification: Likely benign. Last evaluated: 2025-02-12. Review status: criteria provided, single submitter. Criteria: Invitae Variant Classification Sherloc (09022015). Collection method: clinical testing. Allele origin: germline.

PreventionGenetics, part of Exact Sciences
Classification: Likely benign for TELO2-related condition. Last evaluated: 2020-05-13. Review status: no assertion criteria provided. Collection method: clinical testing. Allele origin: germline. Not counted in ClinVar's aggregate classification.
Comment: This variant is classified as likely benign based on ACMG/AMP sequence variant interpretation guidelines (Richards et al. 2015 PMID: 25741868, with internal and published modifications).

NM_016111.4(TELO2):c.586C>T (p.Leu196=)

Gene: TELO2 (telomere maintenance 2; plus strand). Cytogenetic location: 16p13.3.
Variant type: single nucleotide variant.
Coding change: c.586C>T on transcript NM_016111.4 (MANE Select); coding-DNA position 586, C replaced by T.
Protein change: p.Leu196=; no amino-acid change (leucine 196 retained).
Molecular consequence: synonymous variant.
Genome position (GRCh38, 1-based): chr16:1,495,596, C>T. VCF-style: chr16-1495596-C-T. GRCh37 (hg19) VCF-style: chr16-1545597-C-T.
Other names: c.586C>T, p.Leu196= (NM_001351846.2).
Identifiers: ClinVar variation 738952 (VCV000738952.8), dbSNP rs138771587, ClinGen allele CA7811681.